The following is an entry in ClinVar:

ClinVar aggregate classification (germline): Uncertain significance (1 of 4 stars; one submission).

Conditions:
Early-infantile DEE. Also called: Early infantile epileptic encephalopathy; Early infantile epileptic encephalopathy with suppression bursts; Ohtahara syndrome. Identifiers: Orphanet 1934, MedGen C0393706, MONDO:0800491.

Submission:

Labcorp Genetics (formerly Invitae), Labcorp
Classification: Uncertain significance for Early-infantile DEE. Last evaluated: 2022-02-20. Review status: criteria provided, single submitter. Criteria: Invitae Variant Classification Sherloc (09022015). Collection method: clinical testing. Allele origin: germline.
Comment: This sequence change replaces serine, which is neutral and polar, with cysteine, which is neutral and slightly polar, at codon 13 of the HCN1 protein (p.Ser13Cys). In summary, the available evidence is currently insufficient to determine the role of this variant in disease. Therefore, it has been classified as a Variant of Uncertain Significance. Advanced modeling of protein sequence and biophysical properties (such as structural, functional, and spatial information, amino acid conservation, physicochemical variation, residue mobility, and thermodynamic stability) performed at Invitae indicates that this missense variant is not expected to disrupt HCN1 protein function. This variant has not been reported in the literature in individuals affected with HCN1-related conditions. This variant is not present in population databases (gnomAD no frequency).

NM_021072.4(HCN1):c.37A>T (p.Ser13Cys)

Gene: HCN1 (hyperpolarization activated cyclic nucleotide gated potassium channel 1; minus strand). Cytogenetic location: 5p12.
Variant type: single nucleotide variant.
Coding change: c.37A>T on transcript NM_021072.4 (MANE Select); coding-DNA position 37, A replaced by T.
Protein change: p.Ser13Cys; replaces serine 13 with cysteine.
Molecular consequence: missense variant.
Genome position (GRCh38, 1-based): chr5:45,696,057, T>A on the plus strand (A>T on the coding strand, the complement: HCN1 is on the minus strand). VCF-style: chr5-45696057-T-A. GRCh37 (hg19) VCF-style: chr5-45696159-T-A.
Other names: short protein forms S13C.
Identifiers: ClinVar variation 2100411 (VCV002100411.5), dbSNP rs1740006768, ClinGen allele CA359706882.